The following is an entry in ClinVar:

NM_003126.4(SPTA1):c.3829C>T (p.Arg1277Cys)

Gene: SPTA1 (spectrin alpha, erythrocytic 1; minus strand). Cytogenetic location: 1q23.1.
Variant type: single nucleotide variant.
Coding change: c.3829C>T on transcript NM_003126.4 (MANE Select); coding-DNA position 3829, C replaced by T.
Protein change: p.Arg1277Cys; replaces arginine 1277 with cysteine.
Molecular consequence: missense variant.
Genome position (GRCh38, 1-based): chr1:158,647,606, G>A on the plus strand (C>T on the coding strand, the complement: SPTA1 is on the minus strand). VCF-style: chr1-158647606-G-A. GRCh37 (hg19) VCF-style: chr1-158617396-G-A.
Other names: p.Arg1277Cys; short protein forms R1277C.
Identifiers: ClinVar variation 292990 (VCV000292990.17), dbSNP rs143642542, ClinGen allele CA1182923.
Genomic context (GRCh38, chr1:158,647,606, plus strand): 5'-TGCTGAGGAACAGGTAGAATTTCTGGGCCTCATTTAGGCTCTCCTTACGATCCTTTGTAC[G>A]CCCCTGCAGGTCTTCCCAGGCCTCATTCAGCTCCATTTTCTGTCTCTGCAGGTCCTCAGT-3'
Protein context (NP_003117.2, residues 1267-1287): LNEAWEDLQG[Arg1277Cys]TKDRKESLNE

ClinVar aggregate classification (germline): Conflicting classifications of pathogenicity. Review status: criteria provided, conflicting classifications (1 of 4 stars). 8 submissions from 6 submitters: Uncertain significance (7); Benign (1). Last evaluated 2025-09-18.

Conditions:
Hereditary spherocytosis type 3. Also called: Spherocytosis type 3; SPTA1-Related Spherocytosis. Identifiers: Orphanet 822, MedGen C2678338, MONDO:0010053, OMIM 270970.
Pyropoikilocytosis, hereditary. Also called: Pyropoikilocytosis. Identifiers: MedGen C0520739, MONDO:0009948, OMIM 266140, HP:0004839. Disease mechanism: loss of function.
Elliptocytosis 2 (EL2). Also called: ELLIPTOCYTOSIS, RHESUS-UNLINKED TYPE. Identifiers: Orphanet 288, MedGen C1851741, MONDO:0007533, OMIM 130600.

Allele frequency attached by ClinVar (database versions not stated): gnomAD exomes 0.00013; ESP Exome Variant Server 0.00016; ExAC 0.00017; TOPMed 0.00039; gnomAD 0.00041 and 0.00042; 1000 Genomes Project 30x 0.00156; 1000 Genomes Project 0.00160.
gnomAD v4.1: 156 of 1,613,852 alleles (0.0097%); highest among the groups gnomAD compares: African/African-American, 0.099%; 2 homozygotes.

Submissions (8):

Labcorp Genetics (formerly Invitae), Labcorp
Classification: Benign. Last evaluated: 2025-09-18. Review status: criteria provided, single submitter. Criteria: Invitae Variant Classification Sherloc (09022015). Collection method: clinical testing. Allele origin: germline.

Revvity Omics, Revvity
Classification: Uncertain significance. Last evaluated: 2024-07-15. Review status: criteria provided, single submitter. Criteria: ACMG Guidelines, 2015. Collection method: clinical testing. Allele origin: germline.

Ambry Genetics
Classification: Uncertain significance. Last evaluated: 2024-03-08. Review status: criteria provided, single submitter. Criteria: Ambry Variant Classification Scheme 2023. Collection method: clinical testing. Allele origin: germline.

Mayo Clinic Laboratories, Mayo Clinic
Classification: Uncertain significance. Last evaluated: 2023-03-01. Review status: criteria provided, single submitter. Criteria: ACMG Guidelines, 2015. Collection method: clinical testing. Allele origin: germline. Observed: 3 variant alleles.
Comment: BP4_strong

GeneDx
Classification: Uncertain significance. Last evaluated: 2023-01-25. Review status: criteria provided, single submitter. Criteria: GeneDx Variant Classification Process June 2021. Collection method: clinical testing. Allele origin: germline. Affected: yes.
Comment: In silico analysis supports that this missense variant has a deleterious effect on protein structure/function; Has not been previously published as pathogenic or benign to our knowledge

Illumina Laboratory Services, Illumina
Classification: Uncertain significance for Pyropoikilocytosis, hereditary. Last evaluated: 2018-01-12. Review status: criteria provided, single submitter. Criteria: ICSL Variant Classification Criteria 13 December 2019. Collection method: clinical testing. Allele origin: germline.

Illumina Laboratory Services, Illumina
Classification: Uncertain significance for Hereditary spherocytosis type 3. Last evaluated: 2018-01-12. Review status: criteria provided, single submitter. Criteria: ICSL Variant Classification Criteria 13 December 2019. Collection method: clinical testing. Allele origin: germline.

Illumina Laboratory Services, Illumina
Classification: Uncertain significance for Elliptocytosis 2. Last evaluated: 2018-01-12. Review status: criteria provided, single submitter. Criteria: ICSL Variant Classification Criteria 13 December 2019. Collection method: clinical testing. Allele origin: germline.